The following is an entry in ClinVar:

NM_017654.4(SAMD9):c.2965G>A (p.Ala989Thr)

Gene: SAMD9 (sterile alpha motif domain containing 9; minus strand). Cytogenetic location: 7q21.2.
Variant type: single nucleotide variant.
Coding change: c.2965G>A on transcript NM_017654.4 (MANE Select); coding-DNA position 2965, G replaced by A.
Protein change: p.Ala989Thr; replaces alanine 989 with threonine.
Molecular consequence: missense variant.
Genome position (GRCh38, 1-based): chr7:93,103,133, C>T on the plus strand (G>A on the coding strand, the complement: SAMD9 is on the minus strand). VCF-style: chr7-93103133-C-T. GRCh37 (hg19) VCF-style: chr7-92732446-C-T.
Other names: c.2965G>A, p.Ala989Thr (NM_001193307.2); short protein forms A989T.
Identifiers: ClinVar variation 5028805 (VCV005028805.1).
Genomic context (GRCh38, chr7:93,103,133, plus strand): 5'-ACATAATTTGACTTTTATTCAGGTGATAGCTTTTCTTCAATTCTTCCAGTGAGAACTCTG[C>T]AATCAAAGAGTGAATGATGCGTACTCCACAGTAGTTCCCACATTCGATGACCTCTGTTTT-3'
Protein context (NP_060124.2, residues 979-999): CGVRIIHSLI[Ala989Thr]EFSLEELKKS

ClinVar aggregate classification (germline): Uncertain significance (1 of 4 stars; one submission).

Conditions:
Inborn genetic diseases. Identifiers: MedGen C0950123, MeSH D030342.

gnomAD v4.1: 2 of 1,613,742 alleles (0.00012%); highest among the groups gnomAD compares: Non-Finnish European, 0.00017%; no homozygotes.

Submission:

Ambry Genetics
Classification: Uncertain significance for Inborn genetic diseases. Last evaluated: 2026-08-25. Review status: criteria provided, single submitter. Criteria: Ambry Variant Classification Scheme 2023. Collection method: clinical testing. Allele origin: germline.
Comment: The p.A989T variant (also known as c.2965G>A), located in coding exon 1 of the SAMD9 gene, results from a G to A substitution at nucleotide position 2965. The alanine at codon 989 is replaced by threonine, an amino acid with similar properties. This amino acid position is conserved. In addition, the in silico prediction for this alteration is inconclusive. Based on the available evidence, the clinical significance of this variant remains unclear.